The following is an entry in ClinVar:

ClinVar aggregate classification (germline): Uncertain significance (1 of 4 stars; one submission).

Conditions:
Insulin-resistant diabetes mellitus AND acanthosis nigricans. Also called: DIABETES MELLITUS, INSULIN-RESISTANT, WITH ACANTHOSIS NIGRICANS, TYPE A; INSULIN RECEPTOR, DEFECT IN, WITH INSULIN-RESISTANT DIABETES MELLITUS AND ACANTHOSIS NIGRICANS; IRAN, TYPE A; type A insulin resistance; Insulin-resistance syndrome type A. Identifiers: Orphanet 2297, MedGen C0342278, MONDO:0012520, OMIM 610549.

Submission:

Dasa
Classification: Uncertain significance for insulin-resistance syndrome type A. Last evaluated: 2025-12-26. Review status: criteria provided, single submitter. Criteria: DASA Assertion Criteria. Collection method: clinical testing. Allele origin: germline.
Comment: NM_000208.4(INSR):c.3905C>T (p.Ser1302Leu) is a missense variant that results in the substitution of serine with leucine. This variant is rare in population databases. Computational prediction algorithms are consistent with a deleterious effect. The currently available literature and clinical evidence are not sufficient to establish a definitive association between this variant and the reported condition. Therefore, this variant is classified as a variant of uncertain significance.

NM_000208.4(INSR):c.3905C>T (p.Ser1302Leu)

Gene: INSR (insulin receptor; minus strand). Cytogenetic location: 19p13.2.
Variant type: single nucleotide variant.
Coding change: c.3905C>T on transcript NM_000208.4 (MANE Select); coding-DNA position 3905, C replaced by T.
Protein change: p.Ser1302Leu; replaces serine 1302 with leucine.
Molecular consequence: missense variant.
Genome position (GRCh38, 1-based): chr19:7,117,300, G>A on the plus strand (C>T on the coding strand, the complement: INSR is on the minus strand). VCF-style: chr19-7117300-G-A. GRCh37 (hg19) VCF-style: chr19-7117311-G-A.
Other names: c.3869C>T, p.Ser1290Leu (NM_001079817.3); short protein forms S1290L, S1302L.
Identifiers: ClinVar variation 4883682 (VCV004883682.2).